The following is an entry in ClinVar:

NM_005732.4(RAD50):c.683C>G (p.Thr228Arg)

Gene: RAD50 (RAD50 double strand break repair protein; plus strand). Cytogenetic location: 5q31.1.
Variant type: single nucleotide variant.
Coding change: c.683C>G on transcript NM_005732.4 (MANE Select); coding-DNA position 683, C replaced by G.
Protein change: p.Thr228Arg; replaces threonine 228 with arginine.
Molecular consequence: missense variant.
Genome position (GRCh38, 1-based): chr5:132,579,993, C>G. VCF-style: chr5-132579993-C-G. GRCh37 (hg19) VCF-style: chr5-131915685-C-G.
Other names: short protein forms T228R.
Identifiers: ClinVar variation 3224990 (VCV003224990.1), dbSNP rs2479617554, ClinGen allele CA360936492.

ClinVar aggregate classification (germline): Uncertain significance (1 of 4 stars; one submission).

Conditions:
Hereditary cancer-predisposing syndrome. Also called: Neoplastic Syndromes, Hereditary; Tumor predisposition; Hereditary neoplastic syndrome; Hereditary Cancer Syndrome. Identifiers: Orphanet 140162, MedGen C0027672, MeSH D009386, MONDO:0015356.

Submission:

Ambry Genetics
Classification: Uncertain significance for Hereditary cancer-predisposing syndrome. Last evaluated: 2024-03-06. Review status: criteria provided, single submitter. Criteria: Ambry Variant Classification Scheme 2023. Collection method: clinical testing. Allele origin: germline.
Comment: The p.T228R variant (also known as c.683C>G), located in coding exon 5 of the RAD50 gene, results from a C to G substitution at nucleotide position 683. The threonine at codon 228 is replaced by arginine, an amino acid with similar properties. This amino acid position is conserved. In addition, this alteration is predicted to be tolerated by in silico analysis. Based on the available evidence, the clinical significance of this alteration remains unclear.